The following is an entry in ClinVar:

ClinVar aggregate classification (germline): Likely benign. Review status: criteria provided, single submitter (1 of 4 stars). 2 submissions from 2 submitters: Likely benign (1). 1 of the submissions does not count toward it. Last evaluated 2023-05-19.

Allele frequency attached by ClinVar (database versions not stated): ESP Exome Variant Server 0.00085; TOPMed 0.00098; 1000 Genomes Project 0.00160; 1000 Genomes Project 30x 0.00172.

Submissions (2):

Blueprint Genetics
Classification: Likely benign. Last evaluated: 2023-05-19. Review status: criteria provided, single submitter. Criteria: ACMG Guidelines, 2015. Collection method: clinical testing. Allele origin: germline.

Human Evolutionary Genetics, Institut Pasteur
No classification provided. Review status: no classification provided. Collection method: not provided. Allele origin: germline. Not counted in ClinVar's aggregate classification.
ClinVar note: Converted during submission from untested to not provided.

NM_000246.4(CIITA):c.359-23G>T

Gene: CIITA (class II major histocompatibility complex transactivator; plus strand). Cytogenetic location: 16p13.13.
Variant type: single nucleotide variant.
Coding change: c.359-23G>T on transcript NM_000246.4 (MANE Select); 23 bases into the intron before coding-DNA position 359, G replaced by T.
Molecular consequence: intron variant.
Genome position (GRCh38, 1-based): chr16:10,898,902, G>T. VCF-style: chr16-10898902-G-T. GRCh37 (hg19) VCF-style: chr16-10992759-G-T.
Other names: c.359-20G>T (NM_001286402.1, NM_001379332.1, NM_001379330.1); c.359-23G>T (NM_001379333.1, NM_001379331.1, NM_001286403.2); c.287-20G>T (NM_001379334.1).
Identifiers: ClinVar variation 103007 (VCV000103007.3), dbSNP rs199476062, ClinGen allele CA229985.